The following is an entry in ClinVar:

NM_024795.4(TM4SF20):c.531C>A (p.Phe177Leu)

Gene: TM4SF20 (transmembrane 4 L six family member 20; minus strand). Cytogenetic location: 2q36.3.
Variant type: single nucleotide variant.
Coding change: c.531C>A on transcript NM_024795.4 (MANE Select); coding-DNA position 531, C replaced by A.
Protein change: p.Phe177Leu; replaces phenylalanine 177 with leucine.
Molecular consequence: missense variant.
Genome position (GRCh38, 1-based): chr2:227,363,883, G>T on the plus strand (C>A on the coding strand, the complement: TM4SF20 is on the minus strand). VCF-style: chr2-227363883-G-T. GRCh37 (hg19) VCF-style: chr2-228228599-G-T.
Other names: short protein forms F177L.
Identifiers: ClinVar variation 1445513 (VCV001445513.6), dbSNP rs370110647, ClinGen allele CA2148163.

ClinVar aggregate classification (germline): Uncertain significance (1 of 4 stars; one submission).

Allele frequency attached by ClinVar (database versions not stated): ESP Exome Variant Server 0.00008.
gnomAD v4.1: 10 of 1,613,958 alleles (0.00062%); highest among the groups gnomAD compares: East Asian, 0.0022%; no homozygotes.

Submission:

Labcorp Genetics (formerly Invitae), Labcorp
Classification: Uncertain significance. Last evaluated: 2021-12-02. Review status: criteria provided, single submitter. Criteria: Invitae Variant Classification Sherloc (09022015). Collection method: clinical testing. Allele origin: germline.
Comment: In summary, the available evidence is currently insufficient to determine the role of this variant in disease. Therefore, it has been classified as a Variant of Uncertain Significance. Algorithms developed to predict the effect of missense changes on protein structure and function output the following: SIFT: "Not Available"; PolyPhen-2: "Benign"; Align-GVGD: "Not Available". The leucine amino acid residue is found in multiple mammalian species, which suggests that this missense change does not adversely affect protein function. This variant has not been reported in the literature in individuals affected with TM4SF20-related conditions. This variant is present in population databases (rs370110647, gnomAD 0.005%). This sequence change replaces phenylalanine with leucine at codon 177 of the TM4SF20 protein (p.Phe177Leu). The phenylalanine residue is moderately conserved and there is a small physicochemical difference between phenylalanine and leucine.